The following is an entry in ClinVar:

ClinVar aggregate classification (germline): Benign/Likely benign. Review status: criteria provided, multiple submitters, no conflicts (2 of 4 stars). 12 submissions from 12 submitters: Benign (8); Likely benign (2). 2 of the submissions do not count toward it. Last evaluated 2026-02-04.

Conditions:
Methylmalonic aciduria due to complete methylmalonyl-CoA mutase deficiency.
Methylmalonic aciduria due to methylmalonyl-CoA mutase deficiency (MAMM). Also called: Methylmalonic aciduria, mut type. Identifiers: Orphanet 27, MedGen C1855114, MONDO:0009612, OMIM 251000.

Allele frequency attached by ClinVar (database versions not stated): 1000 Genomes Project 30x 0.08432; TOPMed 0.09968; gnomAD 0.10476 and 0.10323; 1000 Genomes Project 0.08626; ExAC 0.09932; ESP Exome Variant Server 0.10332.

Submissions (12):

Labcorp Genetics (formerly Invitae), Labcorp
Classification: Benign. Last evaluated: 2026-02-04. Review status: criteria provided, single submitter. Criteria: Invitae Variant Classification Sherloc (09022015). Collection method: clinical testing. Allele origin: germline.

ARUP Laboratories, Molecular Genetics and Genomics, ARUP Laboratories
Classification: Benign for Methylmalonic aciduria due to methylmalonyl-CoA mutase deficiency. Last evaluated: 2025-07-02. Review status: criteria provided, single submitter. Criteria: ARUP Molecular Germline Variant Investigation Process 2024. Collection method: clinical testing. Allele origin: germline.

Mayo Clinic Laboratories, Mayo Clinic
Classification: Benign. Last evaluated: 2022-03-31. Review status: criteria provided, single submitter. Criteria: ACMG Guidelines, 2015. Collection method: clinical testing. Allele origin: germline. Observed: 20 variant alleles.

Mendelics
Classification: Likely benign for Methylmalonic aciduria due to methylmalonyl-CoA mutase deficiency. Last evaluated: 2019-05-28. Review status: criteria provided, single submitter. Criteria: Mendelics Assertion Criteria 2017. Collection method: clinical testing. Allele origin: unknown.

Women's Health and Genetics/Laboratory Corporation of America, LabCorp
Classification: Benign. Last evaluated: 2018-12-03. Review status: criteria provided, single submitter. Criteria: LabCorp Variant Classification Summary - May 2015. Collection method: clinical testing. Allele origin: germline.
Comment: Variant summary: MUT c.1495G>A (p.Ala499Thr) results in a non-conservative amino acid change located in the Methylmalonyl-CoA mutase, alpha chain, catalytic domain of the encoded protein sequence. Four of five in-silico tools predict a benign effect of the variant on protein function. The variant allele was found at a frequency of 0.099 in 275710 control chromosomes in the gnomAD database, including 1409 homozygotes. The observed variant frequency is approximately 41-folds higher than the estimated maximal expected allele frequency for a pathogenic variant in MUT causing Methylmalonic Acidemia phenotype (0.0024), strongly suggesting that the variant is benign. Two ClinVar submissions (evaluation after 2014) cite the variant as likely benign/benign. Based on the evidence outlined above, the variant was classified as benign.

Illumina Laboratory Services, Illumina
Classification: Benign for Methylmalonic aciduria due to methylmalonyl-CoA mutase deficiency. Last evaluated: 2018-03-06. Review status: criteria provided, single submitter. Criteria: ICSL Variant Classification Criteria 13 December 2019. Collection method: clinical testing. Allele origin: germline.
Comment: This variant was observed in the ICSL laboratory as part of a predisposition screen in an ostensibly healthy population. It had not been previously curated by ICSL or reported in the Human Gene Mutation Database (HGMD: prior to June 1st, 2018), and was therefore a candidate for classification through an automated scoring system. Utilizing variant allele frequency, disease prevalence and penetrance estimates, and inheritance mode, an automated score was calculated to assess if this variant is too frequent to cause the disease. Based on the score and internal cut-off values, a variant classified as benign is not then subjected to further curation. The score for this variant resulted in a classification of benign for this disease.

GeneDx
Classification: Benign. Last evaluated: 2015-03-03. Review status: criteria provided, single submitter. Criteria: GeneDx Variant Classification Process June 2021. Collection method: clinical testing. Allele origin: germline. Affected: yes.

Eurofins Ntd Llc (ga)
Classification: Benign. Last evaluated: 2013-03-28. Review status: criteria provided, single submitter. Criteria: EGL Classification Definitions 2015. Collection method: clinical testing. Allele origin: germline. Observed: 15 variant alleles, 13 heterozygotes, 2 homozygotes.

Breakthrough Genomics
Classification: Likely benign. Review status: criteria provided, single submitter. Criteria: ACMG Guidelines, 2015. Collection method: not provided. Allele origin: germline. Inheritance: Autosomal recessive inheritance. Affected: yes.

PreventionGenetics, part of Exact Sciences
Classification: Benign. Review status: criteria provided, single submitter. Criteria: ACMG Guidelines, 2015. Collection method: clinical testing. Allele origin: germline.

Natera, Inc.
Classification: Benign for Methylmalonic aciduria due to complete methylmalonyl-CoA mutase deficiency. Last evaluated: 2020-09-16. Review status: no assertion criteria provided. Collection method: clinical testing. Allele origin: germline. Not counted in ClinVar's aggregate classification.

GeneReviews
No classification provided. Condition: Methylmalonic aciduria due to methylmalonyl-CoA mutase deficiency. Review status: no classification provided. Collection method: literature only. Allele origin: germline. Affected: yes. Not counted in ClinVar's aggregate classification.

Literature cited by the submitters: NCBI Bookshelf NBK1231 (cited by GeneReviews).

NM_000255.4(MMUT):c.1495G>A (p.Ala499Thr)

Gene: MMUT (methylmalonyl-CoA mutase; minus strand). Cytogenetic location: 6p12.3.
Variant type: single nucleotide variant.
Coding change: c.1495G>A on transcript NM_000255.4 (MANE Select); coding-DNA position 1495, G replaced by A.
Protein change: p.Ala499Thr; replaces alanine 499 with threonine.
Molecular consequence: missense variant.
Genome position (GRCh38, 1-based): chr6:49,447,735, C>T on the plus strand (G>A on the coding strand, the complement: MMUT is on the minus strand). VCF-style: chr6-49447735-C-T. GRCh37 (hg19) VCF-style: chr6-49415448-C-T.
Other names: short protein forms A499T.
Identifiers: ClinVar variation 92680 (VCV000092680.35), dbSNP rs2229385, ClinGen allele CA249739.